The following is an entry in ClinVar:

ClinVar aggregate classification (germline): Uncertain significance. Review status: criteria provided, single submitter (1 of 4 stars). 2 submissions from 2 submitters: Uncertain significance (1). 1 of the submissions does not count toward it. Last evaluated 2021-05-07.

Conditions:
Cardiac arrhythmia. Also called: Arrhythmia; Cardiac rhythm disease. Identifiers: MedGen C0003811, MONDO:0007263, HP:0011675.
Long QT syndrome 1 (LQT1). Identifiers: Orphanet 101016, Orphanet 768, MedGen C4551647, MONDO:0100316, OMIM 192500, MONDO:0008646.

Submissions (2):

Color Diagnostics, LLC DBA Color Health
Classification: Uncertain significance for Cardiac arrhythmia. Last evaluated: 2021-05-07. Review status: criteria provided, single submitter. Criteria: ACMG Guidelines, 2015. Collection method: clinical testing. Allele origin: germline.
Comment: This variant is located in the KCNQ1 protein. To our knowledge, functional studies have not been reported for this variant. This variant has been reported in one family affected with long QT syndrome (PMID: 14731347, 27707468). This variant has not been identified in the general population by the Genome Aggregation Database (gnomAD). The available evidence is insufficient to determine the role of this variant in disease conclusively. Therefore, this variant is classified as a Variant of Uncertain Significance.

ClinVar Staff, National Center for Biotechnology Information (NCBI)
No classification provided. Condition: Long QT syndrome, LQT1 subtype. Review status: no classification provided. Collection method: literature only. Allele origin: germline. Affected: yes. Not counted in ClinVar's aggregate classification.

Literature cited by the submitters: PubMed 14731347 (cited by ClinVar Staff, National Center for Biotechnology Information (NCBI)).

NM_000218.3(KCNQ1):c.1876_1893del (p.Gly626_Pro631del)

Genes: KCNQ1 (potassium voltage-gated channel subfamily Q member 1; plus strand), KCNQ1-AS1 (KCNQ1 antisense RNA 1; minus strand). Cytogenetic location: 11p15.4.
Variant type: Deletion.
Coding change: c.1876_1893del on transcript NM_000218.3 (MANE Select); coding-DNA positions 1876 to 1893, 18 bases deleted (GGCAGCGGCGGCCCCCCC).
Protein change: p.Gly626_Pro631del.
Molecular consequence: inframe deletion. On other transcripts: inframe indel (6).
Genome position (GRCh38, 1-based): chr11:2,847,848-2,847,865, GGCAGCGGCGGCCCCCCC deleted; deleting any 18 consecutive bases within chr11:2,847,843-2,847,865 gives the same sequence; the c. name uses the placement nearest the transcript's 3' end. VCF-style (leftmost placement, unchanged base first): chr11-2847842-ACCCCCGGCAGCGGCGGCC-A. GRCh37 (hg19) VCF-style: chr11-2869072-ACCCCCGGCAGCGGCGGCC-A.
Other names: c.1876_1893del18, p.Gly626_Pro631del (NM_000218.2); c.1780_1797del18, p.Gly594_Pro599del (NM_001406836.1); c.1606_1623del18, p.Gly536_Pro541del (NM_001406837.1); c.1336_1353del18, p.Gly446_Pro451del (NM_001406838.1); c.388_405del18, p.Gly130_Pro135del (NM_001406839.1); c.1495_1512del18, p.Gly499_Pro504del (NM_181798.2).
Identifiers: ClinVar variation 53023 (VCV000053023.6), dbSNP rs397508102, ClinGen allele CA006530.
Genomic context (GRCh38, chr11:2,847,842, plus strand): 5'-CAGAGGCTGGCACTCATCACCGACATGCTTCACCAGCTGCTCTCCTTGCACGGTGGCAGC[ACCCCCGGCAGCGGCGGCC>A]CCCCCAGAGAGGGCGGGGCCCACATCACCCAGCCCTGCGGCAGTGGCGGCTCCGTCGACC-3'